The following is an entry in ClinVar:

ClinVar aggregate classification (germline): Uncertain significance (1 of 4 stars; one submission).

Allele frequency attached by ClinVar (database versions not stated): ExAC 0.00009; gnomAD exomes 0.00006.
gnomAD v4.1: 50 of 1,613,486 alleles (0.0031%); highest among the groups gnomAD compares: South Asian, 0.055%; no homozygotes.

Submission:

Labcorp Genetics (formerly Invitae), Labcorp
Classification: Uncertain significance. Last evaluated: 2022-06-03. Review status: criteria provided, single submitter. Criteria: Invitae Variant Classification Sherloc (09022015). Collection method: clinical testing. Allele origin: germline.
Comment: Algorithms developed to predict the effect of missense changes on protein structure and function (SIFT, PolyPhen-2, Align-GVGD) all suggest that this variant is likely to be disruptive. Algorithms developed to predict the effect of sequence changes on RNA splicing suggest that this variant may create or strengthen a splice site. In summary, the available evidence is currently insufficient to determine the role of this variant in disease. Therefore, it has been classified as a Variant of Uncertain Significance. This variant has not been reported in the literature in individuals affected with ITGAM-related conditions. ClinVar contains an entry for this variant (Variation ID: 1421754). This variant is present in population databases (rs775975994, gnomAD 0.05%). This sequence change replaces tyrosine, which is neutral and polar, with cysteine, which is neutral and slightly polar, at codon 372 of the ITGAM protein (p.Tyr372Cys).

NM_000632.4(ITGAM):c.1115A>G (p.Tyr372Cys)

Gene: ITGAM (integrin subunit alpha M; plus strand). Cytogenetic location: 16p11.2.
Variant type: single nucleotide variant.
Coding change: c.1115A>G on transcript NM_000632.4 (MANE Select); coding-DNA position 1115, A replaced by G.
Protein change: p.Tyr372Cys; replaces tyrosine 372 with cysteine.
Molecular consequence: missense variant.
Genome position (GRCh38, 1-based): chr16:31,276,951, A>G. VCF-style: chr16-31276951-A-G. GRCh37 (hg19) VCF-style: chr16-31288272-A-G.
Other names: c.1115A>G, p.Tyr372Cys (NM_001145808.2); short protein forms Y372C.
Identifiers: ClinVar variation 1421754 (VCV001421754.6), dbSNP rs775975994, ClinGen allele CA8025447.
Genomic context (GRCh38, chr16:31,276,951, plus strand): 5'-TCATCAACCCTGTTCTACACCTTTCCCAGAATGGCCCCTTGCTGAGCACTGTGGGGAGCT[A>G]TGACTGGGCTGGTGGAGTCTTTCTATATACATCAAAGGAGAAAAGCACCTTCATCAACAT-3'
Protein context (NP_000623.2, residues 362-382): NGPLLSTVGS[Tyr372Cys]DWAGGVFLYT